The following is an entry in ClinVar:

ClinVar aggregate classification (germline): Conflicting classifications of pathogenicity. Review status: criteria provided, conflicting classifications (1 of 4 stars). 5 submissions from 5 submitters: Likely pathogenic (1); Uncertain significance (4). Last evaluated 2025-12-23.

Conditions:
Cardiovascular phenotype. Identifiers: MedGen CN230736.
Aortic aneurysm, familial thoracic 10 (AAT10). Identifiers: MedGen C4284414, MONDO:0014950, OMIM 617168.

gnomAD v4.1: 12 of 1,613,514 alleles (0.00074%); highest among the groups gnomAD compares: Admixed American, 0.0033%; no homozygotes.

Submissions (5):

Labcorp Genetics (formerly Invitae), Labcorp
Classification: Uncertain significance. Last evaluated: 2025-12-23. Review status: criteria provided, single submitter. Criteria: Invitae Variant Classification Sherloc (09022015). Collection method: clinical testing. Allele origin: germline.
Comment: This sequence change replaces serine, which is neutral and polar, with arginine, which is basic and polar, at codon 280 of the LOX protein (p.Ser280Arg). This variant is present in population databases (rs370861938, gnomAD 0.005%). This missense change has been observed in individual(s) with thoracic aortic aneurysm and/or dissection (PMID: 26838787). ClinVar contains an entry for this variant (Variation ID: 1343849). Invitae Evidence Modeling of protein sequence and biophysical properties (such as structural, functional, and spatial information, amino acid conservation, physicochemical variation, residue mobility, and thermodynamic stability) has been performed for this missense variant. However, the output from this modeling did not meet the statistical confidence thresholds required to predict the impact of this variant on LOX protein function. Experimental studies have shown that this missense change affects LOX function (PMID: 29961567). In summary, the available evidence is currently insufficient to determine the role of this variant in disease. Therefore, it has been classified as a Variant of Uncertain Significance.

Ambry Genetics
Classification: Uncertain significance for Cardiovascular phenotype. Last evaluated: 2025-08-15. Review status: criteria provided, single submitter. Criteria: Ambry Variant Classification Scheme 2023. Collection method: clinical testing. Allele origin: germline.
Comment: The p.S280R variant (also known as c.840C>A), located in coding exon 3 of the LOX gene, results from a C to A substitution at nucleotide position 840. The serine at codon 280 is replaced by arginine, an amino acid with dissimilar properties. This variant was reported in individual(s) with features consistent with thoracic aortic aneurysm and dissection (TAAD) (Guo DC et al. Circ Res, 2016 Mar;118:928-34; Kwartler CS et al. Am J Hum Genet, 2018 Jul;103:138-143). This amino acid position is well conserved in available vertebrate species. In addition, this alteration is predicted to be tolerated by in silico analysis. Based on the available evidence, the clinical significance of this variant remains unclear.

Women's Health and Genetics/Laboratory Corporation of America, LabCorp
Classification: Uncertain significance. Last evaluated: 2025-06-09. Review status: criteria provided, single submitter. Criteria: LabCorp Variant Classification Summary - May 2015. Collection method: clinical testing. Allele origin: germline.
Comment: Variant summary: LOX c.840C>A (p.Ser280Arg) results in a non-conservative amino acid change in the encoded protein sequence. Algorithms developed to predict the effect of missense changes on protein structure and function are either unavailable or do not agree on the potential impact of this missense change. The variant allele was found at a frequency of 7.4e-06 in 1613514 control chromosomes (gnomAD). The observed variant frequency is approximately 4 fold of the estimated maximal expected allele frequency for a pathogenic variant in LOX causing Aortopathy phenotype (1.7e-06). c.840C>A has been observed in individuals affected with type A dissection or aortic root/ascending aortic aneurysm (Guo_2016). At least one publication reports experimental evidence evaluating an impact on protein function and this variant results in reduced LOX activity (Guo_2016). The following publications have been ascertained in the context of this evaluation (PMID: 33517666, 26838787, 29961567, 34281165). ClinVar contains an entry for this variant (Variation ID: 1343849). Based on the evidence outlined above, the variant was classified as uncertain significance.

GeneDx
Classification: Uncertain significance. Last evaluated: 2024-05-16. Review status: criteria provided, single submitter. Criteria: GeneDx Variant Classification Process June 2021. Collection method: clinical testing. Allele origin: germline. Affected: yes.
Comment: Published functional studies suggest a damaging effect as LOX enzyme activity is reduced by approximately 50% (PMID: 26838787, 29961567, 33517666); In silico analysis supports that this missense variant has a deleterious effect on protein structure/function; This variant is associated with the following publications: (PMID: 31459939, 31211696, 31754702, 34307505, 33517666, 29961567, 26838787)

Revvity Omics, Revvity
Classification: Likely pathogenic for Aortic aneurysm, familial thoracic 10. Last evaluated: 2023-05-07. Review status: criteria provided, single submitter. Criteria: ACMG Guidelines, 2015. Collection method: clinical testing. Allele origin: germline.

Literature cited by the submitters: PubMed 26838787 (cited by 3 submitters); PubMed 29961567 (cited by 3 submitters); PubMed 33517666 (cited by Women's Health and Genetics/Laboratory Corporation of America, LabCorp); PubMed 34281165 (cited by Women's Health and Genetics/Laboratory Corporation of America, LabCorp).

NM_002317.7(LOX):c.840C>A (p.Ser280Arg)

Genes: LOX (lysyl oxidase; minus strand), SRFBP1 (serum response factor binding protein 1; plus strand). Cytogenetic location: 5q23.1.
Variant type: single nucleotide variant.
Coding change: c.840C>A on transcript NM_002317.7 (MANE Select); coding-DNA position 840, C replaced by A.
Protein change: p.Ser280Arg; replaces serine 280 with arginine.
Molecular consequence: missense variant. On other transcripts: 5 prime UTR variant (1).
Genome position (GRCh38, 1-based): chr5:122,075,442, G>T on the plus strand (C>A on the coding strand, the complement: LOX is on the minus strand). VCF-style: chr5-122075442-G-T. GRCh37 (hg19) VCF-style: chr5-121411137-G-T.
Other names: c.150C>A, p.Ser50Arg (NM_001178102.2); c.-52C>A (NM_001317073.1); c.840C>A (NM_002317.5); short protein forms S280R, S50R.
Identifiers: ClinVar variation 1343849 (VCV001343849.14), dbSNP rs370861938, ClinGen allele CA3383927.